The following is an entry in ClinVar:

ClinVar aggregate classification (germline): Likely benign. Review status: criteria provided, multiple submitters, no conflicts (2 of 4 stars). 4 submissions from 4 submitters: Likely benign (4). Last evaluated 2025-07-30.

Conditions:
Hereditary cancer-predisposing syndrome. Also called: Tumor predisposition; Hereditary Cancer Syndrome; Neoplastic Syndromes, Hereditary; Hereditary neoplastic syndrome. Identifiers: Orphanet 140162, MedGen C0027672, MeSH D009386, MONDO:0015356.
Microcephaly, normal intelligence and immunodeficiency (NBS). Also called: Nijmegen breakage syndrome; Microcephaly with normal intelligence immunodeficiency and lymphoreticular malignancies; Nonsyndromal microcephaly autosomal recessive with normal intelligence; Seemanova syndrome 2; BERLIN BREAKAGE SYNDROME; IMMUNODEFICIENCY, MICROCEPHALY, AND CHROMOSOMAL INSTABILITY. Identifiers: Orphanet 647, MedGen C0398791, MONDO:0009623, OMIM 251260.

Allele frequency attached by ClinVar (database versions not stated): gnomAD exomes 0.00001 and 0.00002; TOPMed 0.00003; gnomAD 0.00014.
gnomAD v4.1: 29 of 1,613,796 alleles (0.0018%); highest among the groups gnomAD compares: Admixed American, 0.035%; no homozygotes.

Submissions (4):

Labcorp Genetics (formerly Invitae), Labcorp
Classification: Likely benign for Microcephaly, normal intelligence and immunodeficiency. Last evaluated: 2025-07-30. Review status: criteria provided, single submitter. Criteria: Invitae Variant Classification Sherloc (09022015). Collection method: clinical testing. Allele origin: germline.

Quest Diagnostics Nichols Institute San Juan Capistrano
Classification: Likely benign. Last evaluated: 2023-05-11. Review status: criteria provided, single submitter. Criteria: Quest Diagnostics criteria. Collection method: clinical testing. Allele origin: unknown.

GeneDx
Classification: Likely benign. Last evaluated: 2017-06-13. Review status: criteria provided, single submitter. Criteria: GeneDx Variant Classification (06012015). Collection method: clinical testing. Allele origin: germline. Affected: yes.
Comment: This variant is considered likely benign or benign based on one or more of the following criteria: it is a conservative change, it occurs at a poorly conserved position in the protein, it is predicted to be benign by multiple in silico algorithms, and/or has population frequency not consistent with disease.

Ambry Genetics
Classification: Likely benign for Hereditary cancer-predisposing syndrome. Last evaluated: 2017-02-02. Review status: criteria provided, single submitter. Criteria: Ambry Variant Classification Scheme 2023. Collection method: clinical testing. Allele origin: germline.

NM_002485.5(NBN):c.1020A>G (p.Pro340=)

Gene: NBN (nibrin; minus strand). Cytogenetic location: 8q21.3.
Variant type: single nucleotide variant.
Coding change: c.1020A>G on transcript NM_002485.5 (MANE Select); coding-DNA position 1020, A replaced by G.
Protein change: p.Pro340=; no amino-acid change (proline 340 retained).
Molecular consequence: synonymous variant.
Genome position (GRCh38, 1-based): chr8:89,958,829, T>C on the plus strand (A>G on the coding strand, the complement: NBN is on the minus strand). VCF-style: chr8-89958829-T-C. GRCh37 (hg19) VCF-style: chr8-90971057-T-C.
Other names: c.774A>G, p.Pro258= (NM_001024688.3).
Identifiers: ClinVar variation 219418 (VCV000219418.18), dbSNP rs864622077, ClinGen allele CA348512.